The following is an entry in ClinVar:

ClinVar aggregate classification (germline): Likely benign. Review status: criteria provided, multiple submitters, no conflicts (2 of 4 stars). 2 submissions from 2 submitters: Likely benign (2). Last evaluated 2025-12-24.

Allele frequency attached by ClinVar (database versions not stated): ExAC 0.00012; gnomAD 0.00012 and 0.00013; gnomAD exomes 0.00013; TOPMed 0.00014; ESP Exome Variant Server 0.00019.
gnomAD v4.1: 227 of 1,210,440 alleles (0.019%); highest among the groups gnomAD compares: Non-Finnish European, 0.024%; no homozygotes.

Submissions (2):

Labcorp Genetics (formerly Invitae), Labcorp
Classification: Likely benign. Last evaluated: 2025-12-24. Review status: criteria provided, single submitter. Criteria: Invitae Variant Classification Sherloc (09022015). Collection method: clinical testing. Allele origin: germline.

CeGaT Center for Human Genetics Tuebingen
Classification: Likely benign. Last evaluated: 2025-02-01. Review status: criteria provided, single submitter. Criteria: CeGaT Center For Human Genetics Tuebingen Variant Classification Criteria Version 2. Collection method: clinical testing. Allele origin: germline. Affected: yes. Observed: 2 variant alleles.
Comment: TLR7: BP4, BP7, BS2

NM_016562.4(TLR7):c.447C>T (p.Ser149=)

Gene: TLR7 (toll like receptor 7; plus strand). Cytogenetic location: Xp22.2.
Variant type: single nucleotide variant.
Coding change: c.447C>T on transcript NM_016562.4 (MANE Select); coding-DNA position 447, C replaced by T.
Protein change: p.Ser149=; no amino-acid change (serine 149 retained).
Molecular consequence: synonymous variant.
Genome position (GRCh38, 1-based): chrX:12,885,955, C>T. VCF-style: chrX-12885955-C-T. GRCh37 (hg19) VCF-style: chrX-12904074-C-T.
Identifiers: ClinVar variation 725307 (VCV000725307.31), dbSNP rs5743779, ClinGen allele CA10349933.